The following is an entry in ClinVar:

NM_001134363.3(RBM20):c.1765C>T (p.Arg589Trp)

Gene: RBM20 (RNA binding motif protein 20; plus strand). Cytogenetic location: 10q25.2.
Variant type: single nucleotide variant.
Coding change: c.1765C>T on transcript NM_001134363.3 (MANE Select); coding-DNA position 1765, C replaced by T.
Protein change: p.Arg589Trp; replaces arginine 589 with tryptophan.
Molecular consequence: missense variant.
Genome position (GRCh38, 1-based): chr10:110,799,883, C>T. VCF-style: chr10-110799883-C-T. GRCh37 (hg19) VCF-style: chr10-112559641-C-T.
Other names: c.1765C>T (NM_001134363.1); short protein forms R589W.
Identifiers: ClinVar variation 835820 (VCV000835820.14), dbSNP rs919402785, ClinGen allele CA213247217.
Genomic context (GRCh38, chr10:110,799,883, plus strand): 5'-GCCATGGTCCAGTATTATCAAGAAAAATCTGCTGTGATCAATGGTGAGAAGTTGCTCATT[C>T]GGATGTCCAAGAGATACAAGGAATTGCAGCTCAAGGTAAAGCATTATCTTGCTCATTCAG-3'
Protein context (NP_001127835.2, residues 579-599): AVINGEKLLI[Arg589Trp]MSKRYKELQL

ClinVar aggregate classification (germline): Conflicting classifications of pathogenicity. Review status: criteria provided, conflicting classifications (1 of 4 stars). 4 submissions from 4 submitters: Uncertain significance (3); Likely benign (1). Last evaluated 2026-01-23.

Conditions:
Dilated cardiomyopathy 1DD (CMD1DD). Identifiers: Orphanet 154, MedGen C2750995, MONDO:0013168, OMIM 613172.
Cardiovascular phenotype. Identifiers: MedGen CN230736.

Allele frequency attached by ClinVar (database versions not stated): gnomAD exomes below 0.00001 and 0.00001; TOPMed below 0.00001; gnomAD 0.00001.
gnomAD v4.1: 5 of 1,551,910 alleles (0.00032%); highest among the groups gnomAD compares: Admixed American, 0.0059%; no homozygotes.

Submissions (4):

Labcorp Genetics (formerly Invitae), Labcorp
Classification: Likely benign for Dilated cardiomyopathy 1DD. Last evaluated: 2026-01-23. Review status: criteria provided, single submitter. Criteria: Invitae Variant Classification Sherloc (09022015). Collection method: clinical testing. Allele origin: germline.

Ambry Genetics
Classification: Uncertain significance for Cardiovascular phenotype. Last evaluated: 2025-06-26. Review status: criteria provided, single submitter. Criteria: Ambry Variant Classification Scheme 2023. Collection method: clinical testing. Allele origin: germline.
Comment: The p.R589W variant (also known as c.1765C>T), located in coding exon 7 of the RBM20 gene, results from a C to T substitution at nucleotide position 1765. The arginine at codon 589 is replaced by tryptophan, an amino acid with dissimilar properties. This variant co-occurred with an HCN4 variant in a dilated cardiomyopathy case; however, additional details were limited (Schweizer PA et al. J Am Coll Cardiol, 2017 Mar;69:1209-1210). This amino acid position is highly conserved in available vertebrate species. In addition, this alteration is predicted to be deleterious by in silico analysis. Based on the available evidence, the clinical significance of this variant remains unclear.

GeneDx
Classification: Uncertain significance. Last evaluated: 2024-07-16. Review status: criteria provided, single submitter. Criteria: GeneDx Variant Classification Process June 2021. Collection method: clinical testing. Allele origin: germline. Affected: yes.
Comment: Identified in a patient with dilated cardiomyopathy in published literature (PMID: 28254188); Not observed at significant frequency in large population cohorts (gnomAD); In silico analysis supports that this missense variant has a deleterious effect on protein structure/function; This variant is associated with the following publications: (PMID: 28254189, 28254188)

Blueprint Genetics
Classification: Uncertain significance. Last evaluated: 2021-06-16. Review status: criteria provided, single submitter. Criteria: ACMG Guidelines, 2015. Collection method: clinical testing. Allele origin: germline.

Literature cited by the submitters: PubMed 28254188 (cited by Ambry Genetics); PubMed 28254189 (cited by Ambry Genetics).